The following is an entry in ClinVar:

ClinVar aggregate classification (germline): Likely pathogenic. Review status: criteria provided, multiple submitters, no conflicts (2 of 4 stars). 3 submissions from 3 submitters: Likely pathogenic (3). Last evaluated 2025-12-30.

Conditions:
Hereditary cancer-predisposing syndrome. Also called: Hereditary Cancer Syndrome; Tumor predisposition; Neoplastic Syndromes, Hereditary; Hereditary neoplastic syndrome. Identifiers: Orphanet 140162, MedGen C0027672, MeSH D009386, MONDO:0015356.
Familial cancer of breast. Also called: hereditary breast carcinoma; BREAST CANCER, FAMILIAL; Hereditary breast cancer. Identifiers: Orphanet 227535, MedGen C0346153, MONDO:0016419, OMIM 114480. Disease mechanism: loss of function.
Ataxia-telangiectasia syndrome (AT). Also called: Ataxia-telangiectasia, complementation group E; Cerebello-oculocutaneous telangiectasia; Immunodeficiency with ataxia telangiectasia; ATAXIA-TELANGIECTASIA, COMPLEMENTATION GROUP A; ATAXIA-TELANGIECTASIA, FRESNO VARIANT; Ataxia-telangiectasia. Identifiers: Orphanet 100, MedGen C0004135, MONDO:0008840, OMIM 208900.

Allele frequency attached by ClinVar (database versions not stated): gnomAD exomes below 0.00001; gnomAD 0.00001; ExAC 0.00003.
gnomAD v4.1: 5 of 1,509,060 alleles (0.00033%); highest among the groups gnomAD compares: East Asian, 0.0024%; no homozygotes.

Submissions (3):

Ambry Genetics
Classification: Likely pathogenic for Hereditary cancer-predisposing syndrome. Last evaluated: 2025-12-30. Review status: criteria provided, single submitter. Criteria: Ambry Variant Classification Scheme 2023. Collection method: clinical testing. Allele origin: germline.
Comment: The c.497-1G>A intronic variant results from a G to A substitution one nucleotide upstream from coding exon 5 of the ATM gene. In an assay testing ATM function, this variant showed a functionally abnormal result (Lee KS et al. Cell, 2025 Sep;188:5081-5099.e27). This variant is considered to be rare based on population cohorts in the Genome Aggregation Database (gnomAD). This nucleotide position is highly conserved in available vertebrate species. In silico splice site analysis predicts that this alteration will weaken the native splice acceptor site and may result in the creation or strengthening of a novel splice acceptor site; however, direct evidence is insufficient at this time (Ambry internal data). Alterations that disrupt the canonical splice site are expected to cause aberrant splicing, resulting in an abnormal protein or a transcript that is subject to nonsense-mediated mRNA decay. As such, this alteration is classified as likely pathogenic.

Myriad Genetics, Inc.
Classification: Likely pathogenic for Familial cancer of breast. Last evaluated: 2024-01-09. Review status: criteria provided, single submitter. Criteria: Myriad Autosomal Dominant, Autosomal Recessive and X-Linked Classification Criteria (2023). Collection method: clinical testing. Allele origin: unknown.
Comment: This variant is considered likely pathogenic. This variant occurs within a consensus splice junction and is predicted to result in abnormal mRNA splicing of either an out-of-frame exon or an in-frame exon necessary for protein stability and/or normal function.

Labcorp Genetics (formerly Invitae), Labcorp
Classification: Likely pathogenic for Ataxia-telangiectasia syndrome. Last evaluated: 2023-05-22. Review status: criteria provided, single submitter. Criteria: Invitae Variant Classification Sherloc (09022015). Collection method: clinical testing. Allele origin: germline.
Comment: This sequence change affects an acceptor splice site in intron 5 of the ATM gene. It is expected to disrupt RNA splicing. Variants that disrupt the donor or acceptor splice site typically lead to a loss of protein function (PMID: 16199547), and loss-of-function variants in ATM are known to be pathogenic (PMID: 23807571, 25614872). The frequency data for this variant in the population databases is considered unreliable, as metrics indicate poor data quality at this position in the gnomAD database. In summary, the currently available evidence indicates that the variant is pathogenic, but additional data are needed to prove that conclusively. Therefore, this variant has been classified as Likely Pathogenic. Algorithms developed to predict the effect of sequence changes on RNA splicing suggest that this variant may disrupt the consensus splice site. ClinVar contains an entry for this variant (Variation ID: 375250). This variant has not been reported in the literature in individuals affected with ATM-related conditions.

Literature cited by the submitters: PubMed 40580951 (cited by Ambry Genetics); PubMed 16199547 (cited by Labcorp Genetics (formerly Invitae), Labcorp); PubMed 23807571 (cited by Labcorp Genetics (formerly Invitae), Labcorp); PubMed 25614872 (cited by Labcorp Genetics (formerly Invitae), Labcorp).

NM_000051.4(ATM):c.497-1G>A

Gene: ATM (ATM serine/threonine kinase; plus strand). Cytogenetic location: 11q22.3.
Variant type: single nucleotide variant.
Coding change: c.497-1G>A on transcript NM_000051.4 (MANE Select); the canonical splice acceptor site of the intron before coding-DNA position 497, G replaced by A.
Molecular consequence: splice acceptor variant.
Genome position (GRCh38, 1-based): chr11:108,243,952, G>A. VCF-style: chr11-108243952-G-A. GRCh37 (hg19) VCF-style: chr11-108114679-G-A.
Other names: c.497-1G>A (NM_001351834.2).
Identifiers: ClinVar variation 375250 (VCV000375250.8), dbSNP rs778624615, ClinGen allele CA6264624.
Genomic context (GRCh38, chr11:108,243,952, plus strand): 5'-AACATTTAATACATTTTGATTTTTAAAAAATCATGACTAATAATTTTTTTTTTTTTTTAA[G>A]AATTGTTCTCTGTGTACTTCAGGCTCTATCTGAAACCTTCACAAGATGTTCATAGAGTTT-3'